The following is an entry in ClinVar:

NC_000002.11:g.(?_215657011)_(215657179_?)dup

Gene: BARD1 (BRCA1 associated RING domain 1; minus strand). Cytogenetic location: 2q35.
Variant type: Duplication.
Identifiers: ClinVar variation 3247177 (VCV003247177.1).

ClinVar aggregate classification (germline): Likely pathogenic (1 of 4 stars; one submission).

Conditions:
Familial cancer of breast. Also called: BREAST CANCER, FAMILIAL; Hereditary breast cancer; hereditary breast carcinoma. Identifiers: Orphanet 227535, MedGen C0346153, MONDO:0016419, OMIM 114480. Disease mechanism: loss of function.

Submission:

Labcorp Genetics (formerly Invitae), Labcorp
Classification: Likely pathogenic for Familial cancer of breast. Last evaluated: 2023-10-10. Review status: criteria provided, single submitter. Criteria: Invitae Variant Classification Sherloc (09022015). Collection method: clinical testing. Allele origin: unknown.
Comment: This variant results in a copy number gain of the genomic region encompassing exon(s) 3 of the BARD1 gene. While the exact position of this variant cannot be determined from the data, sub-genic copy number gains are generally in tandem (PMID: 25640679). This variant is predicted to be out-of-frame, and may result in an absent or disrupted protein product. Loss-of-function variants in BARD1 are known to be pathogenic (PMID: 20077502, 21344236). This variant has not been reported in the literature in individuals affected with BARD1-related conditions. In summary, the currently available evidence indicates that the variant is pathogenic, but additional data are needed to prove that conclusively. Therefore, this variant has been classified as Likely Pathogenic.

Literature cited by the submitters: PubMed 25640679; PubMed 20077502; PubMed 21344236.